The following is an entry in ClinVar:

NM_006514.4(SCN10A):c.4089G>A (p.Val1363=)

Gene: SCN10A (sodium voltage-gated channel alpha subunit 10; minus strand). Cytogenetic location: 3p22.2.
Variant type: single nucleotide variant.
Coding change: c.4089G>A on transcript NM_006514.4 (MANE Select); coding-DNA position 4089, G replaced by A.
Protein change: p.Val1363=; no amino-acid change (valine 1363 retained).
Molecular consequence: synonymous variant.
Genome position (GRCh38, 1-based): chr3:38,712,161, C>T on the plus strand (G>A on the coding strand, the complement: SCN10A is on the minus strand). VCF-style: chr3-38712161-C-T. GRCh37 (hg19) VCF-style: chr3-38753652-C-T.
Other names: c.4086G>A, p.Val1362= (NM_001293306.2); c.3795G>A, p.Val1265= (NM_001293307.2).
Identifiers: ClinVar variation 4760146 (VCV004760146.1).

ClinVar aggregate classification (germline): Uncertain significance (1 of 4 stars; one submission).

Conditions:
Brugada syndrome. Also called: Sudden unexplained nocturnal death syndrome; Sudden Unexplained Death Syndrome; Sudden Unexplained Nocturnal Death Syndrome (SUNDS); Sudden unexpected nocturnal death syndrome. Identifiers: Orphanet 130, MedGen C1142166, MONDO:0015263.

Submission:

Labcorp Genetics (formerly Invitae), Labcorp
Classification: Uncertain significance for Brugada syndrome. Last evaluated: 2025-11-24. Review status: criteria provided, single submitter. Criteria: Invitae Variant Classification Sherloc (09022015). Collection method: clinical testing. Allele origin: germline.
Comment: This sequence change affects codon 1363 of the SCN10A mRNA. It is a 'silent' change, meaning that it does not change the encoded amino acid sequence of the SCN10A protein. This variant also falls at the last nucleotide of exon 22, which is part of the consensus splice site for this exon. This variant is not present in population databases (gnomAD no frequency). This variant has not been reported in the literature in individuals affected with SCN10A-related conditions. Variants that disrupt the consensus splice site are a relatively common cause of aberrant splicing (PMID: 17576681, 9536098). Algorithms developed to predict the effect of sequence changes on RNA splicing suggest that this variant may disrupt the consensus splice site. In summary, the available evidence is currently insufficient to determine the role of this variant in disease. Therefore, it has been classified as a Variant of Uncertain Significance.

Literature cited by the submitters: PubMed 17576681; PubMed 9536098.